The following is an entry in ClinVar:

NM_001378120.1(MBD5):c.2299_2302del (p.Asn767fs)

Gene: MBD5 (methyl-CpG binding domain protein 5; plus strand). Cytogenetic location: 2q23.1.
Variant type: Deletion.
Coding change: c.2299_2302del on transcript NM_001378120.1 (MANE Select); coding-DNA positions 2299 to 2302, 4 bases deleted (AACT; older notation c.2299_2302delAACT).
Protein change: p.Asn767fs; shifts the reading frame from asparagine 767.
Molecular consequence: frameshift variant.
Genome position (GRCh38, 1-based): chr2:148,470,242-148,470,245, AACT deleted; deleting any 4 consecutive bases within chr2:148,470,239-148,470,245 gives the same sequence; the c. name uses the placement nearest the transcript's 3' end. VCF-style (leftmost placement, unchanged base first): chr2-148470238-CACTA-C. GRCh37 (hg19) VCF-style: chr2-149227807-CACTA-C.
Other names: c.2299_2302del, p.Asn767fs (NM_018328.5); c.2299_2302delAACT (NM_018328.4); short protein forms N767fs.
Identifiers: ClinVar variation 406455 (VCV000406455.7), dbSNP rs1060501153, ClinGen allele CA16610205.

ClinVar aggregate classification (germline): Pathogenic (1 of 4 stars; one submission).

Conditions:
Intellectual developmental disorder, autosomal dominant 1. Also called: MBD5 Haploinsufficiency; Intellectual disability, autosomal dominant 1. Identifiers: Orphanet 228402, MedGen C1969562, MONDO:0007974, OMIM 156200.

Submission:

Labcorp Genetics (formerly Invitae), Labcorp
Classification: Pathogenic for Intellectual developmental disorder, autosomal dominant 1. Last evaluated: 2016-10-13. Review status: criteria provided, single submitter. Criteria: Invitae Variant Classification Sherloc (09022015). Collection method: clinical testing. Allele origin: germline.
Comment: For these reasons, this variant has been classified as Pathogenic. While this particular variant has not been reported in the literature, truncating variants in MBD5 are known to be pathogenic (PMID: 23422940). This sequence change deletes 4 nucleotide from exon 9 of the MBD5 mRNA (c.2299_2302delAACT), causing a frameshift at codon 767. This creates a premature translational stop signal (p.Asn767Leufs*16) and is expected to result in an absent or disrupted protein product.

Literature cited by the submitters: PubMed 23422940.